The following is an entry in ClinVar:

NM_014254.3(RXYLT1):c.1309T>C (p.Phe437Leu)

Genes: RXYLT1 (ribitol xylosyltransferase 1; plus strand), RXYLT1-AS1 (RXYLT1 antisense RNA 1; minus strand). Cytogenetic location: 12q14.2.
Variant type: single nucleotide variant.
Coding change: c.1309T>C on transcript NM_014254.3 (MANE Select); coding-DNA position 1309, T replaced by C.
Protein change: p.Phe437Leu; replaces phenylalanine 437 with leucine.
Molecular consequence: missense variant.
Genome position (GRCh38, 1-based): chr12:63,809,069, T>C. VCF-style: chr12-63809069-T-C. GRCh37 (hg19) VCF-style: chr12-64202849-T-C.
Other names: c.529T>C, p.Phe177Leu (NM_001278237.2); short protein forms F177L, F437L.
Identifiers: ClinVar variation 3359944 (VCV003359944.1).

ClinVar aggregate classification (germline): Uncertain significance (1 of 4 stars; one submission).

Submission:

GeneDx
Classification: Uncertain significance. Last evaluated: 2023-06-20. Review status: criteria provided, single submitter. Criteria: GeneDx Variant Classification Process June 2021. Collection method: clinical testing. Allele origin: germline. Affected: yes.
Comment: Not observed at significant frequency in large population cohorts (gnomAD); In silico analysis supports that this missense variant has a deleterious effect on protein structure/function; Has not been previously published as pathogenic or benign to our knowledge